The following is an entry in ClinVar:

NM_001009999.3(KDM1A):c.1450C>T (p.Gln484Ter)

Gene: KDM1A (lysine demethylase 1A; plus strand). Cytogenetic location: 1p36.12.
Variant type: single nucleotide variant.
Coding change: c.1450C>T on transcript NM_001009999.3 (MANE Select); coding-DNA position 1450, C replaced by T.
Protein change: p.Gln484Ter; replaces glutamine 484 with a stop codon.
Molecular consequence: nonsense.
Genome position (GRCh38, 1-based): chr1:23,071,261, C>T. VCF-style: chr1-23071261-C-T. GRCh37 (hg19) VCF-style: chr1-23397754-C-T.
Other names: c.1378C>T, p.Gln460Ter (NM_001363654.2, NM_015013.4); short protein forms Q460*, Q484*.
Identifiers: ClinVar variation 1310332 (VCV001310332.2), dbSNP rs2124516852, ClinGen allele CA338968135.

ClinVar aggregate classification (germline): Uncertain significance (1 of 4 stars; one submission).

Submission:

GeneDx
Classification: Uncertain significance. Last evaluated: 2019-11-15. Review status: criteria provided, single submitter. Criteria: GeneDx Variant Classification Process June 2021. Collection method: clinical testing. Allele origin: germline. Affected: yes.
Comment: Not observed in large population cohorts (Lek et al., 2016); Nonsense variant predicted to result in protein truncation or nonsense mediated decay in a gene for which loss-of-function is not a known mechanism of disease; Has not been previously published as pathogenic or benign to our knowledge